The following is an entry in ClinVar:

NM_004970.3(IGFALS):c.634G>A (p.Ala212Thr)

Gene: IGFALS (insulin like growth factor binding protein acid labile subunit; minus strand). Cytogenetic location: 16p13.3.
Variant type: single nucleotide variant.
Coding change: c.634G>A on transcript NM_004970.3 (MANE Select); coding-DNA position 634, G replaced by A.
Protein change: p.Ala212Thr; replaces alanine 212 with threonine.
Molecular consequence: missense variant. On other transcripts: non-coding transcript variant (1).
Genome position (GRCh38, 1-based): chr16:1,791,784, C>T on the plus strand (G>A on the coding strand, the complement: IGFALS is on the minus strand). VCF-style: chr16-1791784-C-T. GRCh37 (hg19) VCF-style: chr16-1841785-C-T.
Other names: c.748G>A, p.Ala250Thr (NM_001146006.2); short protein forms A212T, A250T.
Identifiers: ClinVar variation 318256 (VCV000318256.13), dbSNP rs368097770, ClinGen allele CA7820529.

ClinVar aggregate classification (germline): Conflicting classifications of pathogenicity. Review status: criteria provided, conflicting classifications (1 of 4 stars). 5 submissions from 5 submitters: Uncertain significance (4); Likely benign (1). Last evaluated 2026-05-12.

Conditions:
Inborn genetic diseases. Identifiers: MedGen C0950123, MeSH D030342.
Short stature due to primary acid-labile subunit deficiency. Also called: Acid-labile subunit deficiency; Acid-labile subunit, deficiency of. Identifiers: Orphanet 140941, MedGen C3900122, MONDO:0014420, OMIM 615961.

Allele frequency attached by ClinVar (database versions not stated): ExAC 0.00023; ESP Exome Variant Server 0.00032; gnomAD exomes 0.00038; 1000 Genomes Project 30x 0.00031; 1000 Genomes Project 0.00040; gnomAD 0.00030 and 0.00031; TOPMed 0.00031.
gnomAD v4.1: 784 of 1,548,406 alleles (0.051%); highest among the groups gnomAD compares: East Asian, 0.097%; no homozygotes.

Submissions (5):

Women's Health and Genetics/Laboratory Corporation of America, LabCorp
Classification: Uncertain significance. Last evaluated: 2026-05-12. Review status: criteria provided, single submitter. Criteria: LabCorp Variant Classification Summary - May 2015. Collection method: clinical testing. Allele origin: germline.

GeneDx
Classification: Uncertain significance. Last evaluated: 2023-01-25. Review status: criteria provided, single submitter. Criteria: GeneDx Variant Classification Process June 2021. Collection method: clinical testing. Allele origin: germline. Affected: yes.
Comment: In silico analysis supports that this missense variant does not alter protein structure/function; Has not been previously published as pathogenic or benign to our knowledge

Ambry Genetics
Classification: Uncertain significance for Inborn genetic diseases. Last evaluated: 2022-12-05. Review status: criteria provided, single submitter. Criteria: Ambry Variant Classification Scheme 2023. Collection method: clinical testing. Allele origin: germline.

Illumina Laboratory Services, Illumina
Classification: Uncertain significance for Short stature due to primary acid-labile subunit deficiency. Last evaluated: 2018-01-12. Review status: criteria provided, single submitter. Criteria: ICSL Variant Classification Criteria 13 December 2019. Collection method: clinical testing. Allele origin: germline.

Institute for Genomic Medicine (IGM) Clinical Laboratory, Nationwide Children's Hospital
Classification: Likely benign. Last evaluated: 2017-09-05. Review status: criteria provided, single submitter. Criteria: ACMG Guidelines, 2015. Collection method: clinical testing. Allele origin: germline.
Comment: BS1, BP4; This alteration has an allele frequency that is greater than expected for the associated disease, and is predicted to be tolerated by multiple functional prediction tools.